The following is an entry in ClinVar:

ClinVar aggregate classification (germline): Uncertain significance. Review status: criteria provided, multiple submitters, no conflicts (2 of 4 stars). 2 submissions from 2 submitters: Uncertain significance (2). Last evaluated 2025-03-10.

Conditions:
Aortic aneurysm, familial thoracic 4 (AAT4). Also called: AORTIC ANEURYSM/AORTIC DISSECTION AND PATENT DUCTUS ARTERIOSUS. Identifiers: MedGen C1851504, MONDO:0007568, OMIM 132900.

gnomAD v4.1: 1 of 1,611,890 alleles (0.000062%); highest among the groups gnomAD compares: Admixed American, 0.0017%; no homozygotes.

Submissions (2):

GeneDx
Classification: Uncertain significance. Last evaluated: 2025-03-10. Review status: criteria provided, single submitter. Criteria: GeneDx Variant Classification Process June 2021. Collection method: clinical testing. Allele origin: germline. Affected: yes.
Comment: Not observed at significant frequency in large population cohorts (gnomAD); In silico analysis supports that this missense variant has a deleterious effect on protein structure/function; Has not been previously published as pathogenic or benign to our knowledge

Labcorp Genetics (formerly Invitae), Labcorp
Classification: Uncertain significance for Aortic aneurysm, familial thoracic 4. Last evaluated: 2024-07-01. Review status: criteria provided, single submitter. Criteria: Invitae Variant Classification Sherloc (09022015). Collection method: clinical testing. Allele origin: germline.
Comment: This sequence change replaces glutamine, which is neutral and polar, with histidine, which is basic and polar, at codon 1293 of the MYH11 protein (p.Gln1293His). This variant also falls at the last nucleotide of exon 29, which is part of the consensus splice site for this exon. This variant is present in population databases (no rsID available, gnomAD 0.003%). This variant has not been reported in the literature in individuals affected with MYH11-related conditions. An algorithm developed to predict the effect of missense changes on protein structure and function (PolyPhen-2) suggests that this variant is likely to be disruptive. Variants that disrupt the consensus splice site are a relatively common cause of aberrant splicing (PMID: 17576681, 9536098). Algorithms developed to predict the effect of sequence changes on RNA splicing suggest that this variant may disrupt the consensus splice site. In summary, the available evidence is currently insufficient to determine the role of this variant in disease. Therefore, it has been classified as a Variant of Uncertain Significance.

Literature cited by the submitters: PubMed 17576681 (cited by Labcorp Genetics (formerly Invitae), Labcorp); PubMed 9536098 (cited by Labcorp Genetics (formerly Invitae), Labcorp).

NM_002474.3(MYH11):c.3858G>C (p.Gln1286His)

Gene: MYH11 (myosin heavy chain 11; minus strand). Cytogenetic location: 16p13.11.
Variant type: single nucleotide variant.
Coding change: c.3858G>C on transcript NM_002474.3 (MANE Select); coding-DNA position 3858, G replaced by C.
Protein change: p.Gln1286His; replaces glutamine 1286 with histidine.
Molecular consequence: missense variant.
Genome position (GRCh38, 1-based): chr16:15,726,848, C>G on the plus strand (G>C on the coding strand, the complement: MYH11 is on the minus strand). VCF-style: chr16-15726848-C-G. GRCh37 (hg19) VCF-style: chr16-15820705-C-G.
Other names: c.3858G>C (NM_002474.2); c.3879G>C, p.Gln1293His (NM_001040113.2, NM_001040114.2); c.3858G>C, p.Gln1286His (NM_022844.3); short protein forms Q1286H, Q1293H.
Identifiers: ClinVar variation 3702575 (VCV003702575.3).